The following is an entry in ClinVar:

ClinVar aggregate classification (germline): Uncertain significance (1 of 4 stars; one submission).

Conditions:
Inborn genetic diseases. Identifiers: MedGen C0950123, MeSH D030342.

gnomAD v4.1: 1 of 1,613,502 alleles (0.000062%); highest among the groups gnomAD compares: South Asian, 0.0011%; no homozygotes.

Submission:

Ambry Genetics
Classification: Uncertain significance for Inborn genetic diseases. Last evaluated: 2025-04-20. Review status: criteria provided, single submitter. Criteria: Ambry Variant Classification Scheme 2023. Collection method: clinical testing. Allele origin: germline.
Comment: The p.R289G variant (also known as c.865A>G), located in coding exon 8 of the ANKRD26 gene, results from an A to G substitution at nucleotide position 865. The arginine at codon 289 is replaced by glycine, an amino acid with dissimilar properties. This amino acid position is conserved. In addition, this alteration is predicted to be tolerated by in silico analysis. Based on the available evidence, the clinical significance of this variant remains unclear.

NM_014915.3(ANKRD26):c.865A>G (p.Arg289Gly)

Gene: ANKRD26 (ankyrin repeat domain containing 26; minus strand). Cytogenetic location: 10p12.1.
Variant type: single nucleotide variant.
Coding change: c.865A>G on transcript NM_014915.3 (MANE Select); coding-DNA position 865, A replaced by G.
Protein change: p.Arg289Gly; replaces arginine 289 with glycine.
Molecular consequence: missense variant.
Genome position (GRCh38, 1-based): chr10:27,077,642, T>C on the plus strand (A>G on the coding strand, the complement: ANKRD26 is on the minus strand). VCF-style: chr10-27077642-T-C. GRCh37 (hg19) VCF-style: chr10-27366571-T-C.
Other names: c.865A>G, p.Arg289Gly (NM_001256053.2); short protein forms R289G.
Identifiers: ClinVar variation 3913837 (VCV003913837.1).